The following is an entry in ClinVar:

ClinVar aggregate classification (germline): Benign/Likely benign. Review status: criteria provided, multiple submitters, no conflicts (2 of 4 stars). 5 submissions from 5 submitters: Benign (1); Likely benign (3). 1 of the submissions does not count toward it. Last evaluated 2025-11-28.

Conditions:
Inborn genetic diseases. Identifiers: MedGen C0950123, MeSH D030342.
SH2B3-related disorder. Also called: SH2B3-related condition.

Allele frequency attached by ClinVar (database versions not stated): ExAC below 0.00001; gnomAD exomes 0.00012; 1000 Genomes Project 0.00100; 1000 Genomes Project 30x 0.00109; gnomAD 0.00209 and 0.00223; TOPMed 0.00220.
gnomAD v4.1: 481 of 1,406,358 alleles (0.034%); highest among the groups gnomAD compares: African/African-American, 0.68%; no homozygotes.

Submissions (5):

PreventionGenetics, part of Exact Sciences
Classification: Likely benign for SH2B3-related condition. Last evaluated: 2025-11-28. Review status: criteria provided, single submitter. Criteria: ACMG Guidelines, 2015. Collection method: clinical testing. Allele origin: germline.
Comment: This variant is classified as likely benign based on ACMG/AMP sequence variant interpretation guidelines (Richards et al. 2015 PMID: 25741868, with internal and published modifications).

Mayo Clinic Laboratories, Mayo Clinic
Classification: Likely benign. Last evaluated: 2025-08-12. Review status: criteria provided, single submitter. Criteria: ACMG Guidelines, 2015. Collection method: clinical testing. Allele origin: germline. Observed: 1 variant allele.
Comment: BP4, BP7

Ambry Genetics
Classification: Likely benign for Inborn genetic diseases. Last evaluated: 2024-10-05. Review status: criteria provided, single submitter. Criteria: Ambry Variant Classification Scheme 2023. Collection method: clinical testing. Allele origin: germline.

Labcorp Genetics (formerly Invitae), Labcorp
Classification: Benign. Last evaluated: 2018-10-17. Review status: criteria provided, single submitter. Criteria: Invitae Variant Classification Sherloc (09022015). Collection method: clinical testing. Allele origin: germline.

Genetic Services Laboratory, University of Chicago
Classification: Benign. Last evaluated: 2022-09-23. Review status: no assertion criteria provided. Collection method: clinical testing. Allele origin: germline. Affected: no. Not counted in ClinVar's aggregate classification.

NM_005475.3(SH2B3):c.729C>T (p.Pro243=)

Gene: SH2B3 (SH2B adaptor protein 3; plus strand). Cytogenetic location: 12q24.12.
Variant type: single nucleotide variant.
Coding change: c.729C>T on transcript NM_005475.3 (MANE Select); coding-DNA position 729, C replaced by T.
Protein change: p.Pro243=; no amino-acid change (proline 243 retained).
Molecular consequence: synonymous variant.
Genome position (GRCh38, 1-based): chr12:111,418,874, C>T. VCF-style: chr12-111418874-C-T. GRCh37 (hg19) VCF-style: chr12-111856678-C-T.
Other names: p.Pro243=.
Identifiers: ClinVar variation 733919 (VCV000733919.8), dbSNP rs539284730, ClinGen allele CA6789696.